The following is an entry in ClinVar:

ClinVar aggregate classification (germline): Likely pathogenic (1 of 4 stars; one submission).

Allele frequency attached by ClinVar (database versions not stated): TOPMed 0.00001.

Submission:

Labcorp Genetics (formerly Invitae), Labcorp
Classification: Likely pathogenic. Last evaluated: 2023-06-02. Review status: criteria provided, single submitter. Criteria: Invitae Variant Classification Sherloc (09022015). Collection method: clinical testing. Allele origin: germline.
Comment: ClinVar contains an entry for this variant (Variation ID: 2159825). Variants that disrupt the consensus splice site are a relatively common cause of aberrant splicing (PMID: 17576681, 9536098). Algorithms developed to predict the effect of sequence changes on RNA splicing suggest that this variant may disrupt the consensus splice site. In summary, the currently available evidence indicates that the variant is pathogenic, but additional data are needed to prove that conclusively. Therefore, this variant has been classified as Likely Pathogenic. This sequence change falls in intron 14 of the CDH23 gene. It does not directly change the encoded amino acid sequence of the CDH23 protein. It affects a nucleotide within the consensus splice site. This variant is not present in population databases (gnomAD no frequency). This variant has been observed in individual(s) with clinical features of Usher syndrome (Invitae). In at least one individual the data is consistent with being in trans (on the opposite chromosome) from a pathogenic variant.

Literature cited by the submitters: PubMed 17576681; PubMed 9536098.

NM_022124.6(CDH23):c.1449+5G>A

Gene: CDH23 (cadherin related 23; plus strand). Cytogenetic location: 10q22.1.
Variant type: single nucleotide variant.
Coding change: c.1449+5G>A on transcript NM_022124.6 (MANE Select); 5 bases into the intron after coding-DNA position 1449, G replaced by A.
Molecular consequence: intron variant. On other transcripts: missense variant (1).
Genome position (GRCh38, 1-based): chr10:71,646,622, G>A. VCF-style: chr10-71646622-G-A. GRCh37 (hg19) VCF-style: chr10-73406379-G-A.
Other names: c.1454G>A, p.Ser485Asn (NM_052836.4); c.1449+5G>A (NM_001171930.2, NM_001171931.2); short protein forms S485N.
Identifiers: ClinVar variation 2159825 (VCV002159825.4), dbSNP rs1862888748, ClinGen allele CA377128234.